The following is an entry in ClinVar:

NM_001814.6(CTSC):c.586_587del (p.Leu196fs)

Gene: CTSC (cathepsin C; minus strand). Cytogenetic location: 11q14.2.
Variant type: Microsatellite.
Coding change: c.586_587del on transcript NM_001814.6 (MANE Select); coding-DNA positions 586 to 587, 2 bases deleted (CT; older notation c.586_587delCT).
Protein change: p.Leu196fs; shifts the reading frame from leucine 196.
Molecular consequence: frameshift variant.
Genome position (GRCh38, 1-based): chr11:88,309,217-88,309,218, AG deleted on the plus strand (CT on the coding strand, the reverse complement: CTSC is on the minus strand); deleting any 2 consecutive bases within chr11:88,309,217-88,309,220 gives the same sequence; the c. name uses the placement nearest the transcript's 3' end. VCF-style (leftmost placement, unchanged base first): chr11-88309216-AAG-A. GRCh37 (hg19) VCF-style: chr11-88042384-AAG-A.
Other names: short protein forms L196fs.
Identifiers: ClinVar variation 2940747 (VCV002940747.3), dbSNP rs756656101, ClinGen allele CA6219915.
Genomic context (GRCh38, chr11:88,309,216, plus strand): 5'-TGATTACCTTGGGATTTTTCGACTGTGGCCACCACTTCTCCTAATCATATCTCCCAGGGT[AAG>A]AGTCTCATATTCCATGTATGTAGTTGCAGTCCAAGACTTCTGAATGGCATTGATAGCTTT-3'

ClinVar aggregate classification (germline): Pathogenic (1 of 4 stars; one submission).

Conditions:
Periodontitis, aggressive. Identifiers: MedGen C0031106, MONDO:0980757.
Papillon-Lefèvre syndrome (PALS). Also called: KERATOSIS PALMOPLANTARIS WITH PERIODONTOPATHIA; Papillon-Lefevre Disease. Identifiers: Orphanet 678, MedGen C0030360, MONDO:0009490, OMIM 245000.
Haim-Munk syndrome (HMS). Also called: COCHIN JEWISH DISORDER; KERATOSIS PALMOPLANTARIS WITH PERIODONTOPATHIA AND ONYCHOGRYPOSIS. Identifiers: Orphanet 2342, MedGen C1855627, MONDO:0009491, OMIM 245010.

Submission:

Labcorp Genetics (formerly Invitae), Labcorp
Classification: Pathogenic for Haim-Munk syndrome; Periodontitis, aggressive; Papillon-Lefèvre syndrome. Last evaluated: 2023-11-04. Review status: criteria provided, single submitter. Criteria: Invitae Variant Classification Sherloc (09022015). Collection method: clinical testing. Allele origin: germline.
Comment: This sequence change creates a premature translational stop signal (p.Leu196Tyrfs*7) in the CTSC gene. It is expected to result in an absent or disrupted protein product. Loss-of-function variants in CTSC are known to be pathogenic (PMID: 10662808, 11106356, 11886537). This variant is present in population databases (rs756656101, gnomAD 0.0009%). This variant has not been reported in the literature in individuals affected with CTSC-related conditions. For these reasons, this variant has been classified as Pathogenic.

Literature cited by the submitters: PubMed 10662808; PubMed 11106356; PubMed 11886537.